The following is an entry in ClinVar:

NC_000006.11:g.(?_10803953)_(10819173_?)del

Gene: MAK (male germ cell associated kinase; minus strand). Cytogenetic location: 6p24.2.
Variant type: Deletion.
Identifiers: ClinVar variation 1073189 (VCV001073189.5).

ClinVar aggregate classification (germline): Pathogenic (1 of 4 stars; one submission).

Submission:

Labcorp Genetics (formerly Invitae), Labcorp
Classification: Pathogenic. Last evaluated: 2022-02-08. Review status: criteria provided, single submitter. Criteria: Invitae Variant Classification Sherloc (09022015). Collection method: clinical testing. Allele origin: germline.
Comment: This variant is a gross deletion of the genomic region encompassing exon(s) 2-6 of the MAK gene. This deletion is out-of-frame, and is expected to create a premature termination codon and result in an absent or disrupted protein product. Loss-of-function variants in MAK are known to be pathogenic (PMID: 21148103, 21825139, 24938718, 29781741). This variant has not been reported in the literature in individuals affected with MAK-related conditions. For these reasons, this variant has been classified as Pathogenic.

Literature cited by the submitters: PubMed 21148103; PubMed 21825139; PubMed 24938718; PubMed 29781741.